The following is an entry in ClinVar:

ClinVar aggregate classification (germline): Uncertain significance (1 of 4 stars; one submission).

Allele frequency attached by ClinVar (database versions not stated): gnomAD 0.00001.
gnomAD v4.1: 1 of 1,612,850 alleles (0.000062%); highest among the groups gnomAD compares: Admixed American, 0.0017%; no homozygotes.

Submission:

Labcorp Genetics (formerly Invitae), Labcorp
Classification: Uncertain significance. Last evaluated: 2021-12-27. Review status: criteria provided, single submitter. Criteria: Invitae Variant Classification Sherloc (09022015). Collection method: clinical testing. Allele origin: germline.
Comment: This variant is not present in population databases (gnomAD no frequency). This sequence change replaces proline, which is neutral and non-polar, with serine, which is neutral and polar, at codon 723 of the C2 protein (p.Pro723Ser). This variant has not been reported in the literature in individuals affected with C2-related conditions. In summary, the available evidence is currently insufficient to determine the role of this variant in disease. Therefore, it has been classified as a Variant of Uncertain Significance. Algorithms developed to predict the effect of missense changes on protein structure and function (SIFT, PolyPhen-2, Align-GVGD) all suggest that this variant is likely to be tolerated.

NM_000063.6(C2):c.2167C>T (p.Pro723Ser)

Gene: C2 (complement C2; plus strand). Cytogenetic location: 6p21.33.
Variant type: single nucleotide variant.
Coding change: c.2167C>T on transcript NM_000063.6 (MANE Select); coding-DNA position 2167, C replaced by T.
Protein change: p.Pro723Ser; replaces proline 723 with serine.
Molecular consequence: missense variant.
Genome position (GRCh38, 1-based): chr6:31,945,265, C>T. VCF-style: chr6-31945265-C-T. GRCh37 (hg19) VCF-style: chr6-31913042-C-T.
Other names: c.1771C>T, p.Pro591Ser (NM_001145903.3); c.1525C>T, p.Pro509Ser (NM_001178063.3); c.1429C>T, p.Pro477Ser (NM_001282457.2); c.2080C>T, p.Pro694Ser (NM_001282458.2); short protein forms P509S, P694S, P591S, P477S, P723S.
Identifiers: ClinVar variation 1943458 (VCV001943458.3), dbSNP rs1771293592, ClinGen allele CA363385253.
Genomic context (GRCh38, chr6:31,945,265, plus strand): 5'-AACCCCTGCCTTGGCTCTGCTGACAAAAACTCCCGCAAAAGGGCCCCTCGTAGCAAGGTC[C>T]CGCCGCCACGAGACTTTCACATCAATCTCTTCCGCATGCAGCCCTGGCTGAGGCAGCACC-3'
Protein context (NP_000054.2, residues 713-733): SRKRAPRSKV[Pro723Ser]PPRDFHINLF